The following is an entry in ClinVar:

NM_000256.3(MYBPC3):c.1790+3G>A

Gene: MYBPC3 (myosin binding protein C3; minus strand). Cytogenetic location: 11p11.2.
Variant type: single nucleotide variant.
Coding change: c.1790+3G>A on transcript NM_000256.3 (MANE Select); 3 bases into the intron after coding-DNA position 1790, G replaced by A.
Molecular consequence: intron variant.
Genome position (GRCh38, 1-based): chr11:47,341,988, C>T on the plus strand (G>A on the coding strand, the complement: MYBPC3 is on the minus strand). VCF-style: chr11-47341988-C-T. GRCh37 (hg19) VCF-style: chr11-47363539-C-T.
Identifiers: ClinVar variation 2178016 (VCV002178016.4), dbSNP rs1021477405, ClinGen allele CA221694866.

ClinVar aggregate classification (germline): Uncertain significance (1 of 4 stars; one submission).

Conditions:
Hypertrophic cardiomyopathy. Also called: HYPERTROPHIC MYOCARDIOPATHY. Identifiers: Orphanet 217569, MedGen C0007194, MeSH D002312, MONDO:0005045, HP:0001639.

Allele frequency attached by ClinVar (database versions not stated): gnomAD exomes 0.00001.
gnomAD v4.1: 3 of 1,556,900 alleles (0.00019%); highest among the groups gnomAD compares: South Asian, 0.0035%; no homozygotes.

Submission:

Labcorp Genetics (formerly Invitae), Labcorp
Classification: Uncertain significance for Hypertrophic cardiomyopathy. Last evaluated: 2023-07-13. Review status: criteria provided, single submitter. Criteria: Invitae Variant Classification Sherloc (09022015). Collection method: clinical testing. Allele origin: germline.
Comment: ClinVar contains an entry for this variant (Variation ID: 2178016). This sequence change falls in intron 18 of the MYBPC3 gene. It does not directly change the encoded amino acid sequence of the MYBPC3 protein. It affects a nucleotide within the consensus splice site. This variant is not present in population databases (gnomAD no frequency). This variant has not been reported in the literature in individuals affected with MYBPC3-related conditions. Variants that disrupt the consensus splice site are a relatively common cause of aberrant splicing (PMID: 17576681, 9536098). Algorithms developed to predict the effect of sequence changes on RNA splicing suggest that this variant is not likely to affect RNA splicing. In summary, the available evidence is currently insufficient to determine the role of this variant in disease. Therefore, it has been classified as a Variant of Uncertain Significance.

Literature cited by the submitters: PubMed 17576681; PubMed 9536098.